The following is an entry in ClinVar:

NM_000744.7(CHRNA4):c.722G>A (p.Arg241Gln)

Gene: CHRNA4 (cholinergic receptor nicotinic alpha 4 subunit; minus strand). Cytogenetic location: 20q13.33.
Variant type: single nucleotide variant.
Coding change: c.722G>A on transcript NM_000744.7 (MANE Select); coding-DNA position 722, G replaced by A.
Protein change: p.Arg241Gln; replaces arginine 241 with glutamine.
Molecular consequence: missense variant. On other transcripts: non-coding transcript variant (1).
Genome position (GRCh38, 1-based): chr20:63,350,689, C>T on the plus strand (G>A on the coding strand, the complement: CHRNA4 is on the minus strand). VCF-style: chr20-63350689-C-T. GRCh37 (hg19) VCF-style: chr20-61982041-C-T.
Other names: c.194G>A, p.Arg65Gln (NM_001256573.2); short protein forms R241Q, R65Q.
Identifiers: ClinVar variation 1801123 (VCV001801123.1), dbSNP rs1474655566, ClinGen allele CA409637004.
Genomic context (GRCh38, chr20:63,350,689, plus strand): 5'-GTGAGGCAGGAGATGAGCAGGCAGGGGATGATGAGGTTGATGGTGTAGAAGAGCGGCAGC[C>T]GCCGGATGACGAAGGCATAGGTGATGTCCGGGTAGATCTCGGCACAGCACTCGTACTTCC-3'
Protein context (NP_000735.1, residues 231-251): PDITYAFVIR[Arg241Gln]LPLFYTINLI

ClinVar aggregate classification (germline): Uncertain significance (1 of 4 stars; one submission).

Allele frequency attached by ClinVar (database versions not stated): TOPMed 0.00001.

Submission:

GeneDx
Classification: Uncertain significance. Last evaluated: 2022-05-26. Review status: criteria provided, single submitter. Criteria: GeneDx Variant Classification Process June 2021. Collection method: clinical testing. Allele origin: germline. Affected: yes.
Comment: Not observed at significant frequency in large population cohorts (gnomAD); In silico analysis supports that this missense variant has a deleterious effect on protein structure/function; Has not been previously published as pathogenic or benign to our knowledge